The following is an entry in ClinVar:

ClinVar aggregate classification (germline): Uncertain significance (1 of 4 stars; one submission).

Conditions:
Hereditary cancer-predisposing syndrome. Also called: Neoplastic Syndromes, Hereditary; Tumor predisposition; Hereditary Cancer Syndrome; Hereditary neoplastic syndrome. Identifiers: Orphanet 140162, MedGen C0027672, MeSH D009386, MONDO:0015356.

Submission:

Ambry Genetics
Classification: Uncertain significance for Hereditary cancer-predisposing syndrome. Last evaluated: 2024-06-25. Review status: criteria provided, single submitter. Criteria: Ambry Variant Classification Scheme 2023. Collection method: clinical testing. Allele origin: germline.
Comment: The p.R446L variant (also known as c.1337G>T), located in coding exon 13 of the POLE gene, results from a G to T substitution at nucleotide position 1337. The arginine at codon 446 is replaced by leucine, an amino acid with dissimilar properties. This amino acid position is highly conserved in available vertebrate species. In addition, the in silico prediction for this alteration is inconclusive. Based on the available evidence, the clinical significance of this variant remains unclear.

NM_006231.4(POLE):c.1337G>T (p.Arg446Leu)

Gene: POLE (DNA polymerase epsilon, catalytic subunit; minus strand). Cytogenetic location: 12q24.33.
Variant type: single nucleotide variant.
Coding change: c.1337G>T on transcript NM_006231.4 (MANE Select); coding-DNA position 1337, G replaced by T.
Protein change: p.Arg446Leu; replaces arginine 446 with leucine.
Molecular consequence: missense variant.
Genome position (GRCh38, 1-based): chr12:132,673,597, C>A on the plus strand (G>T on the coding strand, the complement: POLE is on the minus strand). VCF-style: chr12-132673597-C-A. GRCh37 (hg19) VCF-style: chr12-133250183-C-A.
Other names: short protein forms R446L.
Identifiers: ClinVar variation 3422097 (VCV003422097.1).